The following is an entry in ClinVar:

NM_007294.4(BRCA1):c.4938C>G (p.Val1646=)

Gene: BRCA1 (BRCA1 DNA repair associated; minus strand). Cytogenetic location: 17q21.31.
Variant type: single nucleotide variant.
Coding change: c.4938C>G on transcript NM_007294.4 (MANE Select); coding-DNA position 4938, C replaced by G.
Protein change: p.Val1646=; no amino-acid change (valine 1646 retained).
Molecular consequence: synonymous variant. On other transcripts: intron variant (1).
Genome position (GRCh38, 1-based): chr17:43,070,976, G>C on the plus strand (C>G on the coding strand, the complement: BRCA1 is on the minus strand). VCF-style: chr17-43070976-G-C. GRCh37 (hg19) VCF-style: chr17-41222993-G-C.
Other names: c.1485C>G, p.Val495= (NM_001408462.1, NM_001408463.1, NM_001408464.1 and 7 more transcripts); c.1482C>G, p.Val494= (NM_001408468.1, NM_001408469.1, NM_001408470.1); c.1626C>G, p.Val542= (NM_001408472.1, NM_007298.4, NM_007299.4 and 13 more transcripts); c.1623C>G, p.Val541= (NM_001408473.1, NM_001408392.1, NM_001408396.1 and 8 more transcripts); c.1428C>G, p.Val476= (NM_001408474.1); c.1425C>G, p.Val475= (NM_001408475.1, NM_001408476.1); c.1419C>G, p.Val473= (NM_001408478.1, NM_001408479.1, NM_001408480.1); c.1416C>G, p.Val472= (NM_001408481.1, NM_001408482.1, NM_001408483.1 and 5 more transcripts); and 71 more.
Identifiers: ClinVar variation 865436 (VCV000865436.3), dbSNP rs2052371169, ClinGen allele CA500231618.

Conditions:
Breast-ovarian cancer, familial, susceptibility to, 1 (BROVCA1). Also called: BRCA1 Hereditary Breast and Ovarian Cancer; OVARIAN CANCER, SUSCEPTIBILITY TO. Identifiers: Orphanet 145, MedGen C2676676, MONDO:0011450, OMIM 604370. Disease mechanism: loss of function.

Submission:

Brotman Baty Institute, University of Washington
No classification provided (evidence only). Condition: Breast-ovarian cancer, familial 1. Review status: no classification provided. Collection method: in vitro. Allele origin: not applicable. Functional consequence: functionally_normal.
ClinVar note: "not provided" was previously submitted as the classification for the variant. However, the classification appeared to be based only on an observation of functional data so it was converted to no classification on 2025-07-30.